The following is an entry in ClinVar:

ClinVar aggregate classification (germline): Pathogenic/Likely pathogenic. Review status: criteria provided, multiple submitters, no conflicts (2 of 4 stars). 4 submissions from 4 submitters: Pathogenic (3); Likely pathogenic (1). Last evaluated 2026-10-06.

Conditions:
Neurofibromatosis, type 1 (NF1). Also called: VON RECKLINGHAUSEN DISEASE; Peripheral type neurofibromatosis; Neurofibromatosis, type I; NEUROFIBROMATOSIS, TYPE I, SOMATIC. Identifiers: Orphanet 636, MedGen C0027831, MONDO:0018975, OMIM 162200. Disease mechanism: loss of function.

Submissions (4):

NHS Central & South Genomic Laboratory Hub
Classification: Pathogenic for Neurofibromatosis type 1. Last evaluated: 2026-10-06. Review status: criteria provided, single submitter. Criteria: ACMG Guidelines, 2015. Collection method: clinical testing. Allele origin: germline. Affected: yes.

Labcorp Genetics (formerly Invitae), Labcorp
Classification: Pathogenic for Neurofibromatosis, type 1. Last evaluated: 2024-04-04. Review status: criteria provided, single submitter. Criteria: Invitae Variant Classification Sherloc (09022015). Collection method: clinical testing. Allele origin: germline.
Comment: This sequence change affects a donor splice site in intron 36 of the NF1 gene. It is expected to disrupt RNA splicing. Variants that disrupt the donor or acceptor splice site typically lead to a loss of protein function (PMID: 16199547), and loss-of-function variants in NF1 are known to be pathogenic (PMID: 10712197, 23913538). This variant is not present in population databases (gnomAD no frequency). Disruption of this splice site has been observed in individuals with clinical features of neurofibromatosis type 1 (PMID: 7633431, 30014477; Invitae). ClinVar contains an entry for this variant (Variation ID: 547656). Algorithms developed to predict the effect of sequence changes on RNA splicing suggest that this variant may disrupt the consensus splice site. For these reasons, this variant has been classified as Pathogenic.

Genome-Nilou Lab
Classification: Pathogenic for Neurofibromatosis, type 1. Last evaluated: 2022-03-15. Review status: criteria provided, single submitter. Criteria: ACMG Guidelines, 2015. Collection method: clinical testing. Allele origin: germline. Affected: no.

Center for Human Genetics, Inc
Classification: Likely pathogenic for Neurofibromatosis, type 1. Last evaluated: 2016-11-01. Review status: criteria provided, single submitter. Criteria: ACMG Guidelines, 2015. Collection method: clinical testing. Allele origin: germline. Affected: yes.

Literature cited by the submitters: PubMed 16199547 (cited by Labcorp Genetics (formerly Invitae), Labcorp); PubMed 10712197 (cited by Labcorp Genetics (formerly Invitae), Labcorp); PubMed 23913538 (cited by Labcorp Genetics (formerly Invitae), Labcorp); PubMed 7633431 (cited by Labcorp Genetics (formerly Invitae), Labcorp); PubMed 30014477 (cited by Labcorp Genetics (formerly Invitae), Labcorp).

NM_001042492.3(NF1):c.5268+2T>G

Gene: NF1 (neurofibromin 1; plus strand). Cytogenetic location: 17q11.2.
Variant type: single nucleotide variant.
Coding change: c.5268+2T>G on transcript NM_001042492.3 (MANE Select); the canonical splice donor site of the intron after coding-DNA position 5268, T replaced by G.
Molecular consequence: splice donor variant.
Genome position (GRCh38, 1-based): chr17:31,326,254, T>G. VCF-style: chr17-31326254-T-G. GRCh37 (hg19) VCF-style: chr17-29653272-T-G.
Other names: c.5205+2T>G (NM_000267.4).
Identifiers: ClinVar variation 547656 (VCV000547656.10), dbSNP rs1555533416, ClinGen allele CA399008446.